The following is an entry in ClinVar:

ClinVar aggregate classification (germline): Uncertain significance (1 of 4 stars; one submission).

Submission:

Women's Health and Genetics/Laboratory Corporation of America, LabCorp
Classification: Uncertain significance. Last evaluated: 2025-11-26. Review status: criteria provided, single submitter. Criteria: LabCorp Variant Classification Summary - May 2015. Collection method: clinical testing. Allele origin: germline.
Comment: Variant summary: SHANK3 c.1001G>A (p.Arg334His) results in a non-conservative amino acid change in the encoded protein sequence. Algorithms developed to predict the effect of missense changes on protein structure and function are either unavailable or do not agree on the potential impact of this missense change. The frequency data for this variant in gnomAD is considered unreliable, as metrics indicate poor data quality at this position. To our knowledge, no occurrence of c.1001G>A in individuals affected with SHANK3-related conditions and no experimental evidence demonstrating its impact on protein function have been reported. No submitters have cited clinical-significance assessments for this variant to ClinVar. Based on the evidence outlined above, the variant was classified as uncertain significance.

NM_001372044.2(SHANK3):c.1001G>A (p.Arg334His)

Gene: SHANK3 (SH3 and multiple ankyrin repeat domains 3; plus strand). Cytogenetic location: 22q13.33.
Variant type: single nucleotide variant.
Coding change: c.1001G>A on transcript NM_001372044.2 (MANE Select); coding-DNA position 1001, G replaced by A.
Protein change: p.Arg334His; replaces arginine 334 with histidine.
Molecular consequence: missense variant.
Genome position (GRCh38, 1-based): chr22:50,679,319, G>A. VCF-style: chr22-50679319-G-A. GRCh37 (hg19) VCF-style: chr22-51117747-G-A.
Other names: short protein forms R334H.
Identifiers: ClinVar variation 4536997 (VCV004536997.1).